The following is an entry in ClinVar:

ClinVar aggregate classification (germline): Likely benign (1 of 4 stars; one submission).

Submission:

Women's Health and Genetics/Laboratory Corporation of America, LabCorp
Classification: Likely benign. Last evaluated: 2020-01-06. Review status: criteria provided, single submitter. Criteria: LabCorp Variant Classification Summary - May 2015. Collection method: clinical testing. Allele origin: germline.
Comment: Variant summary: ACTC1 c.809-38_809-13dup26 alters a nucleotide located close to a canonical splice site and therefore could affect mRNA splicing, leading to a significantly altered protein sequence. 5/5 computational tools predict no significant impact on normal splicing. However, these predictions have yet to be confirmed by functional studies. The variant was absent in 106928 control chromosomes (gnomAD). However, the variant is located in a highly polymorphic repetitive region. To our knowledge, no occurrence of c.809-38_809-13dup26 in individuals affected with Cardiomyopathy and no experimental evidence demonstrating its impact on protein function have been reported. No clinical diagnostic laboratories have submitted clinical-significance assessments for this variant to ClinVar after 2014. Based on the evidence outlined above, the variant was classified as likely benign.

NM_005159.5(ACTC1):c.809-58TG[36]

Genes: ACTC1 (actin alpha cardiac muscle 1; minus strand), GJD2-DT (GJD2 divergent transcript; plus strand). Cytogenetic location: 15q14.
Variant type: Microsatellite.
Coding change: c.809-58TG[36] on transcript NM_005159.5 (MANE Select); 36 copies in a row of the 2-base unit TG starting at c.809-58; the reference has 23 copies in a row; 13 copies, 26 bases duplicated.
Molecular consequence: intron variant.
Genome position (GRCh38, 1-based): chr15:34,791,308-34,791,333, CACACACACACACACACACACACACA duplicated on the plus strand (TGTGTGTGTGTGTGTGTGTGTGTGTG on the coding strand, the reverse complement: ACTC1 is on the minus strand); duplicating any 26 consecutive bases within chr15:34,791,308-34,791,353 gives the same sequence; the position shown is the placement nearest the transcript's 3' end. VCF-style (leftmost placement, unchanged base first): chr15-34791307-T-TCACACACACACACACACACACACACA. GRCh37 (hg19) VCF-style: chr15-35083508-T-TCACACACACACACACACACACACACA.
Identifiers: ClinVar variation 917553 (VCV000917553.1), dbSNP rs59431308, ClinGen allele CA1139663828.